The following is an entry in ClinVar:

NM_024867.4(SPEF2):c.1233T>C (p.Asp411=)

Gene: SPEF2 (sperm flagellar and cilia associated 2; plus strand). Cytogenetic location: 5p13.2.
Variant type: single nucleotide variant.
Coding change: c.1233T>C on transcript NM_024867.4 (MANE Select); coding-DNA position 1233, T replaced by C.
Protein change: p.Asp411=; no amino-acid change (aspartic acid 411 retained).
Molecular consequence: synonymous variant.
Genome position (GRCh38, 1-based): chr5:35,667,137, T>C. VCF-style: chr5-35667137-T-C. GRCh37 (hg19) VCF-style: chr5-35667239-T-C.
Other names: c.1233T>C, p.Asp411= (NM_144722.4).
Identifiers: ClinVar variation 2655398 (VCV002655398.24), dbSNP rs147621729, ClinGen allele CA3230421.
Genomic context (GRCh38, chr5:35,667,137, plus strand): 5'-GGCAAAACAAGCCAAGATTGACTTTGAAGAACAATTCCTTAAAGAAAAGAGATTTCATGA[T>C]CAGATTGCTGTGGAAAGAGCTCAAGCTCGTTATGAAAAGCATTATTCAGTATGTGCAGAA-3'
Protein context (NP_079143.3, residues 401-421): EQFLKEKRFH[Asp411=]QIAVERAQAR

ClinVar aggregate classification (germline): Likely benign (1 of 4 stars; one submission).

Allele frequency attached by ClinVar (database versions not stated): 1000 Genomes Project 30x 0.00031; 1000 Genomes Project 0.00040; TOPMed 0.00122; ESP Exome Variant Server 0.00131; gnomAD 0.00140; ExAC 0.00153; gnomAD exomes 0.00175.
gnomAD v4.1: 2,819 of 1,611,540 alleles (0.17%); highest among the groups gnomAD compares: South Asian, 0.17%; 3 homozygotes.

Submission:

CeGaT Center for Human Genetics Tuebingen
Classification: Likely benign. Last evaluated: 2023-04-01. Review status: criteria provided, single submitter. Criteria: CeGaT Center For Human Genetics Tuebingen Variant Classification Criteria Version 2. Collection method: clinical testing. Allele origin: germline. Affected: yes. Observed: 1 variant allele.
Comment: SPEF2: BP4, BP7